The following is an entry in ClinVar:

NM_000488.4(SERPINC1):c.1306G>C (p.Ala436Pro)

Gene: SERPINC1 (serpin family C member 1; minus strand). Cytogenetic location: 1q25.1.
Variant type: single nucleotide variant.
Coding change: c.1306G>C on transcript NM_000488.4 (MANE Select); coding-DNA position 1306, G replaced by C.
Protein change: p.Ala436Pro; replaces alanine 436 with proline.
Molecular consequence: missense variant.
Genome position (GRCh38, 1-based): chr1:173,903,978, C>G on the plus strand (G>C on the coding strand, the complement: SERPINC1 is on the minus strand). VCF-style: chr1-173903978-C-G. GRCh37 (hg19) VCF-style: chr1-173873116-C-G.
Other names: NM_001386306.1:c.1090G>C; c.1162G>C, p.Ala388Pro (NM_001365052.2); c.1429G>C, p.Ala477Pro (NM_001386302.1); c.1387G>C, p.Ala463Pro (NM_001386303.1); c.1285G>C, p.Ala429Pro (NM_001386304.1); c.1249G>C, p.Ala417Pro (NM_001386305.1); c.1090G>C, p.Ala364Pro (NM_001386306.1); short protein forms A364P, A388P, A417P, A429P, A436P, A463P, A477P.
Identifiers: ClinVar variation 3775048 (VCV003775048.1).

ClinVar aggregate classification (germline): Uncertain significance (3 of 4 stars; one submission).

Conditions:
Hereditary antithrombin deficiency (AT3D). Also called: Antithrombin III deficiency; Thrombophilia due to antithrombin III deficiency; Reduced antithrombin III activity; Antithrombin deficiency. Identifiers: Orphanet 82, MedGen C0272375, MONDO:0013144, OMIM 613118, HP:0001976.

Submission:

Clingen Thrombosis Variant Curation Expert Panel, ClinGen
Classification: Uncertain significance for Hereditary antithrombin deficiency. Last evaluated: 2025-02-21. Review status: reviewed by expert panel. Criteria: ClinGen ACMG Specifications SERPINC1 V1.0.0. Collection method: curation. Allele origin: germline. Inheritance: Autosomal dominant inheritance.
Comment: The c.1306G> variant in SERPINC1 is a missense variant predicted to cause substitution of alanine by proline at amino acid 436 (p.Ala436Pro). At least one patient with this variant displayed an antithrombin activity level of <0.8 IU/mL with repeated independent samples over time, which is highly specific for hereditary antithrombin deficiency (PP4, PMID:24684277). This variant is absent from gnomAD v2.1.1, 3.1.2 and 4.1.0 (PM2_Supporting). Another missense variant c.1306G>A (p.Ala436Thr) (ClinVarID:18003) in the same codon has been classified as likely pathogenic for hereditary antithrombin deficiency by the ClinGen Thrombosis VCEP (PM5_Supporting). The computational predictor REVEL gives a score of 0.843, which is above the threshold of 0.6, evidence that correlates with impact to SERPINC1 function (PP3). In summary, this variant meets the criteria to be classified as uncertain significance due to insufficient evidence for autosomal dominant hereditary antithrombin deficiency based on the ACMG/AMP criteria applied, as specified by the ClinGen Thrombosis VCEP: PP3, PP4, PM2_Supporting, PM5_Supporting.